The following is an entry in ClinVar:

ClinVar aggregate classification (germline): Uncertain significance (1 of 4 stars; one submission).

Allele frequency attached by ClinVar (database versions not stated): gnomAD exomes 0.00001; TOPMed 0.00001; gnomAD 0.00002.
gnomAD v4.1: 14 of 1,614,112 alleles (0.00087%); highest among the groups gnomAD compares: East Asian, 0.0045%; no homozygotes.

Submission:

CeGaT Center for Human Genetics Tuebingen
Classification: Uncertain significance. Last evaluated: 2023-01-01. Review status: criteria provided, single submitter. Criteria: CeGaT Center For Human Genetics Tuebingen Variant Classification Criteria Version 2. Collection method: clinical testing. Allele origin: germline. Affected: yes. Observed: 1 variant allele.
Comment: DSCAM: PM2:Supporting, PP2

NM_001389.5(DSCAM):c.3313A>G (p.Ile1105Val)

Gene: DSCAM (DS cell adhesion molecule; minus strand). Cytogenetic location: 21q22.2.
Variant type: single nucleotide variant.
Coding change: c.3313A>G on transcript NM_001389.5 (MANE Select); coding-DNA position 3313, A replaced by G.
Protein change: p.Ile1105Val; replaces isoleucine 1105 with valine.
Molecular consequence: missense variant. On other transcripts: non-coding transcript variant (1).
Genome position (GRCh38, 1-based): chr21:40,142,651, T>C on the plus strand (A>G on the coding strand, the complement: DSCAM is on the minus strand). VCF-style: chr21-40142651-T-C. GRCh37 (hg19) VCF-style: chr21-41514578-T-C.
Other names: c.3313A>G, p.Ile1105Val (NM_001271534.3, NM_206887.1); short protein forms I1105V.
Identifiers: ClinVar variation 2652671 (VCV002652671.24), dbSNP rs1287175782, ClinGen allele CA410298758.
Genomic context (GRCh38, chr21:40,142,651, plus strand): 5'-TGAACCCCTGGAGAATTCCATTCAAGGCTTCCTTGGAAAGTGTGGACCAGGATATTGATA[T>C]GCTTTCTGGTGATGTTGCTATGGCTTGGACATTTTCGGGGGGGTAACTGGGCACTGAAAT-3'
Protein context (NP_001380.2, residues 1095-1115): VQAIATSPES[Ile1105Val]SISWSTLSKE